The following is an entry in ClinVar:

ClinVar aggregate classification (germline): Uncertain significance (1 of 4 stars; one submission).

Conditions:
Hereditary cancer-predisposing syndrome. Also called: Neoplastic Syndromes, Hereditary; Tumor predisposition; Hereditary Cancer Syndrome; Hereditary neoplastic syndrome. Identifiers: Orphanet 140162, MedGen C0027672, MeSH D009386, MONDO:0015356.

Submission:

Ambry Genetics
Classification: Uncertain significance for Hereditary cancer-predisposing syndrome. Last evaluated: 2026-05-15. Review status: criteria provided, single submitter. Criteria: Ambry Variant Classification Scheme 2023. Collection method: clinical testing. Allele origin: germline.
Comment: The p.D1171V variant (also known as c.3512A>T), located in coding exon 20 of the DICER1 gene, results from an A to T substitution at nucleotide position 3512. The aspartic acid at codon 1171 is replaced by valine, an amino acid with highly dissimilar properties. This amino acid position is conserved. In addition, the in silico prediction for this alteration is inconclusive. Based on the available evidence, the clinical significance of this variant remains unclear.

NM_177438.3(DICER1):c.3512A>T (p.Asp1171Val)

Gene: DICER1 (dicer 1, ribonuclease III; minus strand). Cytogenetic location: 14q32.13.
Variant type: single nucleotide variant.
Coding change: c.3512A>T on transcript NM_177438.3 (MANE Select); coding-DNA position 3512, A replaced by T.
Protein change: p.Asp1171Val; replaces aspartic acid 1171 with valine.
Molecular consequence: missense variant. On other transcripts: non-coding transcript variant (6).
Genome position (GRCh38, 1-based): chr14:95,103,884, T>A on the plus strand (A>T on the coding strand, the complement: DICER1 is on the minus strand). VCF-style: chr14-95103884-T-A. GRCh37 (hg19) VCF-style: chr14-95570221-T-A.
Other names: c.3512A>T, p.Asp1171Val (NM_001195573.1, NM_001271282.3, NM_001291628.2 and 12 more transcripts); c.3230A>T, p.Asp1077Val (NM_001395686.1); c.3107A>T, p.Asp1036Val (NM_001395687.1, NM_001395688.1, NM_001395689.1 and 2 more transcripts); c.2945A>T, p.Asp982Val (NM_001395691.1); c.1829A>T, p.Asp610Val (NM_001395697.1); short protein forms D1036V, D1077V, D1171V, D610V, D982V.
Identifiers: ClinVar variation 4869792 (VCV004869792.1).